The following is an entry in ClinVar:

ClinVar aggregate classification (germline): Uncertain significance (1 of 4 stars; one submission).

gnomAD v4.1: 2 of 1,211,102 alleles (0.00017%); highest among the groups gnomAD compares: Non-Finnish European, 0.00022%; no homozygotes.

Submission:

Labcorp Genetics (formerly Invitae), Labcorp
Classification: Uncertain significance. Last evaluated: 2024-05-10. Review status: criteria provided, single submitter. Criteria: Invitae Variant Classification Sherloc (09022015). Collection method: clinical testing. Allele origin: germline.
Comment: This sequence change replaces serine, which is neutral and polar, with glycine, which is neutral and non-polar, at codon 711 of the ABCB7 protein (p.Ser711Gly). This variant is not present in population databases (gnomAD no frequency). This variant has not been reported in the literature in individuals affected with ABCB7-related conditions. An algorithm developed to predict the effect of missense changes on protein structure and function (PolyPhen-2) suggests that this variant is likely to be tolerated. In summary, the available evidence is currently insufficient to determine the role of this variant in disease. Therefore, it has been classified as a Variant of Uncertain Significance.

NM_001271696.3(ABCB7):c.2128A>G (p.Ser710Gly)

Gene: ABCB7 (ATP binding cassette subfamily B member 7; minus strand). Cytogenetic location: Xq13.3.
Variant type: single nucleotide variant.
Coding change: c.2128A>G on transcript NM_001271696.3 (MANE Select); coding-DNA position 2128, A replaced by G.
Protein change: p.Ser710Gly; replaces serine 710 with glycine.
Molecular consequence: missense variant.
Genome position (GRCh38, 1-based): chrX:75,053,501, T>C on the plus strand (A>G on the coding strand, the complement: ABCB7 is on the minus strand). VCF-style: chrX-75053501-T-C. GRCh37 (hg19) VCF-style: chrX-74273336-T-C.
Other names: c.2008A>G, p.Ser670Gly (NM_001271697.3); c.2050A>G, p.Ser684Gly (NM_001271698.3); c.2011A>G, p.Ser671Gly (NM_001271699.3); c.2131A>G, p.Ser711Gly (NM_004299.6); short protein forms S670G, S671G, S684G, S710G, S711G.
Identifiers: ClinVar variation 3610617 (VCV003610617.2).